The following is an entry in ClinVar:

ClinVar aggregate classification (germline): Uncertain significance (1 of 4 stars; one submission).

Conditions:
Mucopolysaccharidosis, MPS-III-A (MPS3A). Also called: HEPARAN SULFATE SULFATASE DEFICIENCY; SANFILIPPO SYNDROME A; SULFAMIDASE DEFICIENCY; MPS III A; Mucopolysaccharidosis, type IIIA; MUCOPOLYSACCHARIDOSIS, TYPE IIIA, ATTENUATED. Identifiers: Orphanet 581, Orphanet 79269, MedGen C0086647, MONDO:0009655, OMIM 252900.

Submission:

Labcorp Genetics (formerly Invitae), Labcorp
Classification: Uncertain significance for Mucopolysaccharidosis, MPS-III-A. Last evaluated: 2024-10-15. Review status: criteria provided, single submitter. Criteria: Invitae Variant Classification Sherloc (09022015). Collection method: clinical testing. Allele origin: germline.
Comment: This sequence change falls in intron 7 of the SGSH gene. It does not directly change the encoded amino acid sequence of the SGSH protein. It affects a nucleotide within the consensus splice site. This variant is not present in population databases (gnomAD no frequency). This variant has not been reported in the literature in individuals affected with SGSH-related conditions. ClinVar contains an entry for this variant (Variation ID: 2131731). Variants that disrupt the consensus splice site are a relatively common cause of aberrant splicing (PMID: 17576681, 9536098). Algorithms developed to predict the effect of sequence changes on RNA splicing suggest that this variant is not likely to affect RNA splicing. In summary, the available evidence is currently insufficient to determine the role of this variant in disease. Therefore, it has been classified as a Variant of Uncertain Significance.

Literature cited by the submitters: PubMed 17576681; PubMed 9536098.

NM_000199.5(SGSH):c.949+4_949+5insA

Gene: SGSH (N-sulfoglucosamine sulfohydrolase; minus strand). Cytogenetic location: 17q25.3.
Variant type: Insertion.
Coding change: c.949+4_949+5insA on transcript NM_000199.5 (MANE Select); bases 4 to 5 of the intron after coding-DNA position 949, A inserted.
Molecular consequence: intron variant.
Genome position: GRCh38 VCF-style: chr17-80212066-C-CT. GRCh37 (hg19) VCF-style: chr17-78185865-C-CT.
Other names: c.949+4_949+5insA (NM_001352921.3, NM_001352922.2).
Identifiers: ClinVar variation 2131731 (VCV002131731.4), dbSNP rs2510872954, ClinGen allele CA2580095305.
Genomic context (GRCh38, chr17:80,212,066, plus strand): 5'-CAGGTCATGGCCCCGTCCCAGATCCACTCCCACACCTTTCCTGACGGAGACAGACAAAGG[C>CT]ATACCTAGGAGGCTCACGTAGGCCTCGCTGACTTGGCCCCAGCGTTTTGGGTGCTCCGGG-3'